The following is an entry in ClinVar:

ClinVar aggregate classification (germline): Uncertain significance (1 of 4 stars; one submission).

Conditions:
MHC class I deficiency. Identifiers: Orphanet 34592, MedGen C6024714, MONDO:0011476.

Allele frequency attached by ClinVar (database versions not stated): ESP Exome Variant Server 0.00012; ExAC 0.00005; gnomAD 0.00008 and 0.00009; gnomAD exomes 0.00004; 1000 Genomes Project 30x 0.00016; TOPMed 0.00019.
gnomAD v4.1: 40 of 1,612,990 alleles (0.0025%); highest among the groups gnomAD compares: African/African-American, 0.045%; no homozygotes.

Submission:

Labcorp Genetics (formerly Invitae), Labcorp
Classification: Uncertain significance for MHC class I deficiency 1. Last evaluated: 2021-09-15. Review status: criteria provided, single submitter. Criteria: Invitae Variant Classification Sherloc (09022015). Collection method: clinical testing. Allele origin: germline.
Comment: This sequence change replaces threonine with isoleucine at codon 354 of the TAP1 protein (p.Thr354Ile). The threonine residue is moderately conserved and there is a moderate physicochemical difference between threonine and isoleucine. This variant is present in population databases (rs139346862, ExAC 0.07%). This variant has not been reported in the literature in individuals affected with TAP1-related conditions. Algorithms developed to predict the effect of missense changes on protein structure and function are either unavailable or do not agree on the potential impact of this missense change (SIFT: "Tolerated"; PolyPhen-2: "Possibly Damaging"; Align-GVGD: "Class C0"). In summary, the available evidence is currently insufficient to determine the role of this variant in disease. Therefore, it has been classified as a Variant of Uncertain Significance.

NM_000593.6(TAP1):c.881C>T (p.Thr294Ile)

Gene: TAP1 (transporter 1, ATP binding cassette subfamily B member; minus strand). Cytogenetic location: 6p21.32.
Variant type: single nucleotide variant.
Coding change: c.881C>T on transcript NM_000593.6 (MANE Select); coding-DNA position 881, C replaced by T.
Protein change: p.Thr294Ile; replaces threonine 294 with isoleucine.
Molecular consequence: missense variant.
Genome position (GRCh38, 1-based): chr6:32,851,113, G>A on the plus strand (C>T on the coding strand, the complement: TAP1 is on the minus strand). VCF-style: chr6-32851113-G-A. GRCh37 (hg19) VCF-style: chr6-32818890-G-A.
Other names: c.278C>T, p.Thr93Ile (NM_001292022.2); short protein forms T294I, T93I.
Identifiers: ClinVar variation 1009274 (VCV001009274.4), dbSNP rs139346862, ClinGen allele CA3746901.